The following is an entry in ClinVar:

ClinVar aggregate classification (germline): Uncertain significance (1 of 4 stars; one submission).

Conditions:
Spinocerebellar ataxia type 15/16 (SCA15). Also called: Spinocerebellar Ataxia Type 15. Identifiers: Orphanet 98769, MedGen C1847725, MONDO:0011694, OMIM 606658.
Spinocerebellar ataxia type 29 (SCA29). Also called: Spinocerebellar ataxia 29, congenital nonprogressive; CEREBELLAR ATAXIA, CONGENITAL NONPROGRESSIVE, AUTOSOMAL DOMINANT. Identifiers: Orphanet 208513, MedGen C1861732, MONDO:0007298, OMIM 117360.
Gillespie syndrome (GLSP). Also called: Aniridia, cerebellar ataxia, and mental deficiency; Aniridia-cerebellar ataxia-intellectual disability syndrome. Identifiers: Orphanet 1065, MedGen C0431401, MONDO:0008795, OMIM 206700.

Submission:

Juno Genomics, Hangzhou Juno Genomics, Inc
Classification: Uncertain significance for Gillespie syndrome; Spinocerebellar ataxia type 15/16; Spinocerebellar ataxia type 29. Review status: criteria provided, single submitter. Criteria: ACMG Guidelines, 2015. Collection method: clinical testing. Allele origin: germline.
Comment: Missense variant in a gene that has a low rate of benign missense variation.;Multiple lines of computational evidence support a deleterious effect on the gene or gene product.;Absent from controls (or at extremely low frequency if recessive) in Genome Aggregation Database.

NM_001378452.1(ITPR1):c.6906C>G (p.Phe2302Leu)

Gene: ITPR1 (inositol 1,4,5-trisphosphate receptor type 1; plus strand). Cytogenetic location: 3p26.1.
Variant type: single nucleotide variant.
Coding change: c.6906C>G on transcript NM_001378452.1 (MANE Select); coding-DNA position 6906, C replaced by G.
Protein change: p.Phe2302Leu; replaces phenylalanine 2302 with leucine.
Molecular consequence: missense variant.
Genome position (GRCh38, 1-based): chr3:4,795,162, C>G. VCF-style: chr3-4795162-C-G. GRCh37 (hg19) VCF-style: chr3-4836846-C-G.
Other names: c.6762C>G, p.Phe2254Leu (NM_001099952.4); c.6861C>G, p.Phe2287Leu (NM_001168272.2); c.6717C>G, p.Phe2239Leu (NM_002222.7); short protein forms F2287L, F2254L, F2239L, F2302L.
Identifiers: ClinVar variation 5006631 (VCV005006631.2).